The following is an entry in ClinVar:

NM_001172509.2(SATB2):c.597+4A>C

Gene: SATB2 (SATB homeobox 2; minus strand). Cytogenetic location: 2q33.1.
Variant type: single nucleotide variant.
Coding change: c.597+4A>C on transcript NM_001172509.2 (MANE Select); 4 bases into the intron after coding-DNA position 597, A replaced by C.
Molecular consequence: intron variant.
Genome position (GRCh38, 1-based): chr2:199,380,360, T>G on the plus strand (A>C on the coding strand, the complement: SATB2 is on the minus strand). VCF-style: chr2-199380360-T-G. GRCh37 (hg19) VCF-style: chr2-200245083-T-G.
Other names: c.597+4A>C (NM_001172517.1, NM_015265.4).
Identifiers: ClinVar variation 3668778 (VCV003668778.2).

ClinVar aggregate classification (germline): Uncertain significance (1 of 4 stars; one submission).

Conditions:
Chromosome 2q32-q33 deletion syndrome (GLASS). Also called: Glass syndrome; 2q33.1 deletion syndrome. Identifiers: Orphanet 251019, MedGen C2676739, MONDO:0012864, OMIM 612313.

Submission:

Labcorp Genetics (formerly Invitae), Labcorp
Classification: Uncertain significance for Chromosome 2q32-q33 deletion syndrome. Last evaluated: 2025-06-22. Review status: criteria provided, single submitter. Criteria: Invitae Variant Classification Sherloc (09022015). Collection method: clinical testing. Allele origin: germline.
Comment: This sequence change falls in intron 6 of the SATB2 gene. It does not directly change the encoded amino acid sequence of the SATB2 protein. It affects a nucleotide within the consensus splice site. This variant is not present in population databases (gnomAD no frequency). This variant has not been reported in the literature in individuals affected with SATB2-related conditions. ClinVar contains an entry for this variant (Variation ID: 3668778). Variants that disrupt the consensus splice site are a relatively common cause of aberrant splicing (PMID: 17576681, 9536098). Algorithms developed to predict the effect of sequence changes on RNA splicing suggest that this variant is not likely to affect RNA splicing. In summary, the available evidence is currently insufficient to determine the role of this variant in disease. Therefore, it has been classified as a Variant of Uncertain Significance.

Literature cited by the submitters: PubMed 17576681; PubMed 9536098.